The following is an entry in ClinVar:

NM_021098.3(CACNA1H):c.6869C>T (p.Pro2290Leu)

Gene: CACNA1H (calcium voltage-gated channel subunit alpha1 H; plus strand). Cytogenetic location: 16p13.3.
Variant type: single nucleotide variant.
Coding change: c.6869C>T on transcript NM_021098.3 (MANE Select); coding-DNA position 6869, C replaced by T.
Protein change: p.Pro2290Leu; replaces proline 2290 with leucine.
Molecular consequence: missense variant.
Genome position (GRCh38, 1-based): chr16:1,220,801, C>T. VCF-style: chr16-1220801-C-T. GRCh37 (hg19) VCF-style: chr16-1270801-C-T.
Other names: c.6851C>T, p.Pro2284Leu (NM_001005407.2); short protein forms P2284L, P2290L.
Identifiers: ClinVar variation 1016221 (VCV001016221.8), dbSNP rs1970426412, ClinGen allele CA394151067.
Genomic context (GRCh38, chr16:1,220,801, plus strand): 5'-CGCTGGACCTCGGGGTCCCCAGTGGAGACCCTTTCTTGGACGGTAGCCACAGTGTGACCC[C>T]AGAATCCAGAGCTTCCTCTTCAGGGGCCATAGTGCCCCTGGAACCCCCAGAATCAGAGCC-3'
Protein context (NP_066921.2, residues 2280-2300): PFLDGSHSVT[Pro2290Leu]ESRASSSGAI

ClinVar aggregate classification (germline): Uncertain significance (1 of 4 stars; one submission).

Conditions:
Idiopathic generalized epilepsy. Also called: Generalised epilepsy; EIG. Identifiers: MedGen C0270850, MONDO:0005579, OMIM 600669.
Hyperaldosteronism, familial, type IV (HALD4). Also called: FH IV; ALDOSTERONISM, PRIMARY, AND HYPERTENSION. Identifiers: Orphanet 642671, MedGen C4310756, MONDO:0014875, OMIM 617027.

Allele frequency attached by ClinVar (database versions not stated): gnomAD exomes below 0.00001; TOPMed below 0.00001.

Submission:

Labcorp Genetics (formerly Invitae), Labcorp
Classification: Uncertain significance for Idiopathic generalized epilepsy; Hyperaldosteronism, familial, type IV. Last evaluated: 2024-12-19. Review status: criteria provided, single submitter. Criteria: Invitae Variant Classification Sherloc (09022015). Collection method: clinical testing. Allele origin: germline.
Comment: This sequence change replaces proline, which is neutral and non-polar, with leucine, which is neutral and non-polar, at codon 2290 of the CACNA1H protein (p.Pro2290Leu). This variant is not present in population databases (gnomAD no frequency). This variant has not been reported in the literature in individuals affected with CACNA1H-related conditions. ClinVar contains an entry for this variant (Variation ID: 1016221). Invitae Evidence Modeling of protein sequence and biophysical properties (such as structural, functional, and spatial information, amino acid conservation, physicochemical variation, residue mobility, and thermodynamic stability) indicates that this missense variant is not expected to disrupt CACNA1H protein function with a negative predictive value of 95%. In summary, the available evidence is currently insufficient to determine the role of this variant in disease. Therefore, it has been classified as a Variant of Uncertain Significance.